The following is an entry in ClinVar:

ClinVar aggregate classification (germline): Likely benign (1 of 4 stars; one submission).

gnomAD v4.1: 10,668 of 1,613,302 alleles (0.66%); highest among the groups gnomAD compares: Non-Finnish European, 0.79%; 48 homozygotes.

Submission:

Mayo Clinic Laboratories, Mayo Clinic
Classification: Likely benign. Last evaluated: 2025-06-18. Review status: criteria provided, single submitter. Criteria: ACMG Guidelines, 2015. Collection method: clinical testing. Allele origin: germline. Observed: 25 variant alleles.
Comment: BP4, BP7

NM_003126.4(SPTA1):c.2221-24G>A

Gene: SPTA1 (spectrin alpha, erythrocytic 1; minus strand). Cytogenetic location: 1q23.1.
Variant type: single nucleotide variant.
Coding change: c.2221-24G>A on transcript NM_003126.4 (MANE Select); 24 bases into the intron before coding-DNA position 2221, G replaced by A.
Molecular consequence: intron variant.
Genome position (GRCh38, 1-based): chr1:158,662,969, C>T on the plus strand (G>A on the coding strand, the complement: SPTA1 is on the minus strand). VCF-style: chr1-158662969-C-T. GRCh37 (hg19) VCF-style: chr1-158632759-C-T.
Other names: p.?.
Identifiers: ClinVar variation 4683642 (VCV004683642.1).